The following is an entry in ClinVar:

NM_001201543.2(FAM161A):c.999_1000del (p.Lys334fs)

Gene: FAM161A (FAM161 centrosomal protein A; minus strand). Cytogenetic location: 2p15.
Variant type: Deletion.
Coding change: c.999_1000del on transcript NM_001201543.2 (MANE Select); coding-DNA positions 999 to 1000, 2 bases deleted (GA; older notation c.999_1000delGA).
Protein change: p.Lys334fs; shifts the reading frame from lysine 334.
Molecular consequence: frameshift variant. On other transcripts: non-coding transcript variant (1).
Genome position (GRCh38, 1-based): chr2:61,840,004-61,840,005, TC deleted on the plus strand (GA on the coding strand, the reverse complement: FAM161A is on the minus strand); deleting any 2 consecutive bases within chr2:61,840,004-61,840,006 gives the same sequence; the c. name uses the placement nearest the transcript's 3' end. VCF-style (leftmost placement, unchanged base first): chr2-61840003-TTC-T. GRCh37 (hg19) VCF-style: chr2-62067138-TTC-T.
Other names: c.999_1000del, p.Lys334fs (NM_032180.3); short protein forms K334fs.
Identifiers: ClinVar variation 2030761 (VCV002030761.5), dbSNP rs749054106, ClinGen allele CA1679236.

ClinVar aggregate classification (germline): Pathogenic (1 of 4 stars; one submission).

Submission:

Labcorp Genetics (formerly Invitae), Labcorp
Classification: Pathogenic. Last evaluated: 2023-12-20. Review status: criteria provided, single submitter. Criteria: Invitae Variant Classification Sherloc (09022015). Collection method: clinical testing. Allele origin: germline.
Comment: This sequence change creates a premature translational stop signal (p.Lys334Alafs*13) in the FAM161A gene. It is expected to result in an absent or disrupted protein product. Loss-of-function variants in FAM161A are known to be pathogenic (PMID: 20705278, 20705279, 24651477). This variant is present in population databases (rs749054106, gnomAD 0.003%). This variant has not been reported in the literature in individuals affected with FAM161A-related conditions. ClinVar contains an entry for this variant (Variation ID: 2030761). For these reasons, this variant has been classified as Pathogenic.

Literature cited by the submitters: PubMed 20705278; PubMed 20705279; PubMed 24651477.